The following is an entry in ClinVar:

NM_000350.3(ABCA4):c.5531_5557dup (p.Gln1852_Ala1853insGlyLeuIleAspLeuAlaLeuSerGln)

Gene: ABCA4 (ATP binding cassette subfamily A member 4; minus strand). Cytogenetic location: 1p22.1.
Variant type: Duplication.
Coding change: c.5531_5557dup on transcript NM_000350.3 (MANE Select); coding-DNA positions 5531 to 5557, 27 bases duplicated (GCCTCATTGACCTTGCACTGAGCCAGG).
Protein change: p.Gln1852_Ala1853insGlyLeuIleAspLeuAlaLeuSerGln.
Molecular consequence: inframe insertion. On other transcripts: inframe indel (1).
Genome position (GRCh38, 1-based): chr1:94,011,289-94,011,315, CCTGGCTCAGTGCAAGGTCAATGAGGC duplicated on the plus strand (GCCTCATTGACCTTGCACTGAGCCAGG on the coding strand, the reverse complement: ABCA4 is on the minus strand); duplicating any 27 consecutive bases within chr1:94,011,289-94,011,317 gives the same sequence; the c. name uses the placement nearest the transcript's 3' end. VCF-style (leftmost placement, unchanged base first): chr1-94011288-G-GCCTGGCTCAGTGCAAGGTCAATGAGGC. GRCh37 (hg19) VCF-style: chr1-94476844-G-GCCTGGCTCAGTGCAAGGTCAATGAGGC.
Other names: c.5307_5333dup, p.Gln1778_Ala1779insGlyLeuIleAspLeuAlaLeuSerGln (NM_001425324.1).
Identifiers: ClinVar variation 2078889 (VCV002078889.4), dbSNP rs2523657559, ClinGen allele CA2580063562.

ClinVar aggregate classification (germline): Uncertain significance (1 of 4 stars; one submission).

Submission:

Labcorp Genetics (formerly Invitae), Labcorp
Classification: Uncertain significance. Last evaluated: 2022-07-06. Review status: criteria provided, single submitter. Criteria: Invitae Variant Classification Sherloc (09022015). Collection method: clinical testing. Allele origin: germline.
Comment: This variant, c.5531_5557dup, results in the insertion of 9 amino acid(s) of the ABCA4 protein (p.Gly1844_Gln1852dup), but otherwise preserves the integrity of the reading frame. This variant is not present in population databases (gnomAD no frequency). This variant has been observed in individual(s) with retinitis pigmentosa (Invitae). In summary, the available evidence is currently insufficient to determine the role of this variant in disease. Therefore, it has been classified as a Variant of Uncertain Significance.